The following is an entry in ClinVar:

NM_014249.4(NR2E3):c.725C>T (p.Ser242Phe)

Gene: NR2E3 (nuclear receptor subfamily 2 group E member 3; plus strand). Cytogenetic location: 15q23.
Variant type: single nucleotide variant.
Coding change: c.725C>T on transcript NM_014249.4 (MANE Select); coding-DNA position 725, C replaced by T.
Protein change: p.Ser242Phe; replaces serine 242 with phenylalanine.
Molecular consequence: missense variant.
Genome position (GRCh38, 1-based): chr15:71,812,489, C>T. VCF-style: chr15-71812489-C-T. GRCh37 (hg19) VCF-style: chr15-72104829-C-T.
Other names: c.725C>T, p.Ser242Phe (NM_016346.4); short protein forms S242F.
Identifiers: ClinVar variation 5003732 (VCV005003732.1).
Genomic context (GRCh38, chr15:71,812,489, plus strand): 5'-AGACCTCGGCTCGCCTACTCTTCATGGCCGTCAAGTGGGCCAAGAACCTGCCTGTGTTCT[C>T]CAGCCTGCCCTTCCGGGATCAGGTACCTACCGGCCTGCCTGCTGGGGAGCTAGGCTGGGC-3'
Protein context (NP_055064.1, residues 232-252): VKWAKNLPVF[Ser242Phe]SLPFRDQVIL

ClinVar aggregate classification (germline): Uncertain significance (1 of 4 stars; one submission).

Conditions:
ENHANCED S-CONE SYNDROME 1 (ESCS1). Also called: RETINOSCHISIS WITH EARLY HEMERALOPIA; FAVRE HYALOIDEORETINAL DEGENERATION. Identifiers: MedGen CN380299, OMIM 268100.

Submission:

Myriad Genetics, Inc.
Classification: Uncertain significance for ENHANCED S-CONE SYNDROME 1. Last evaluated: 2025-12-19. Review status: criteria provided, single submitter. Criteria: Myriad Autosomal Dominant, Autosomal Recessive and X-Linked Classification Criteria (2023). Collection method: clinical testing. Allele origin: unknown.
Comment: NM_014249.2(NR2E3):c.725C>T(S242F) is a missense variant classified as a variant of uncertain significance in the context of enhanced S-cone syndrome. S242F has not been observed in cases with relevant disease. Relevant functional assessments of this variant are not available in the literature. S242F has not been observed in referenced population frequency databases. In summary, there is insufficient evidence to classify NM_014249.2(NR2E3):c.725C>T(S242F) as pathogenic or benign. Please note: this variant was assessed in the context of healthy population screening.